The following is an entry in ClinVar:

ClinVar aggregate classification (germline): Uncertain significance (1 of 4 stars; one submission).

Submission:

Quest Diagnostics Nichols Institute San Juan Capistrano
Classification: Uncertain significance. Last evaluated: 2023-08-24. Review status: criteria provided, single submitter. Criteria: Quest Diagnostics criteria. Collection method: clinical testing. Allele origin: unknown.
Comment: To the best of our knowledge, this variant has not been reported in the published literature. It also has not been reported in large, multi-ethnic general populations (Genome Aggregation Database). Analysis of this variant using bioinformatics tools for the prediction of the effect of amino acid changes on protein structure and function yielded conflicting predictions that this variant is benign or damaging. Based on the available information, we are unable to determine the clinical significance of this variant.

NM_000135.4(FANCA):c.2260T>G (p.Cys754Gly)

Gene: FANCA (FA complementation group A; minus strand). Cytogenetic location: 16q24.3.
Variant type: single nucleotide variant.
Coding change: c.2260T>G on transcript NM_000135.4 (MANE Select); coding-DNA position 2260, T replaced by G.
Protein change: p.Cys754Gly; replaces cysteine 754 with glycine.
Molecular consequence: missense variant.
Genome position (GRCh38, 1-based): chr16:89,770,222, A>C on the plus strand (T>G on the coding strand, the complement: FANCA is on the minus strand). VCF-style: chr16-89770222-A-C. GRCh37 (hg19) VCF-style: chr16-89836630-A-C.
Other names: c.2260T>G, p.Cys754Gly (NM_001286167.3); short protein forms C754G.
Identifiers: ClinVar variation 2681895 (VCV002681895.1), dbSNP rs2544197385, ClinGen allele CA397445398.